The following is an entry in ClinVar:

ClinVar aggregate classification (germline): Uncertain significance (1 of 4 stars; one submission).

Conditions:
Hereditary spastic paraplegia 2 (SPG2). Also called: Spastic Paraplegia 2 (SPG2); SPASTIC PARAPLEGIA 2, X-LINKED. Identifiers: Orphanet 99015, MedGen C0751604, MONDO:0010733, OMIM 312920.

Submission:

Labcorp Genetics (formerly Invitae), Labcorp
Classification: Uncertain significance for Hereditary spastic paraplegia 2. Last evaluated: 2025-09-08. Review status: criteria provided, single submitter. Criteria: Invitae Variant Classification Sherloc (09022015). Collection method: clinical testing. Allele origin: germline.
Comment: This sequence change replaces glycine, which is neutral and non-polar, with arginine, which is basic and polar, at codon 246 of the PLP1 protein (p.Gly246Arg). This variant is not present in population databases (gnomAD no frequency). This variant has not been reported in the literature in individuals affected with PLP1-related conditions. ClinVar contains an entry for this variant (Variation ID: 2119528). Invitae Evidence Modeling of protein sequence and biophysical properties (such as structural, functional, and spatial information, amino acid conservation, physicochemical variation, residue mobility, and thermodynamic stability) indicates that this missense variant is expected to disrupt PLP1 protein function with a positive predictive value of 80%. This variant disrupts the p.Gly246 amino acid residue in PLP1. Other variant(s) that disrupt this residue have been determined to be pathogenic (PMID: 15712223, 19825935). This suggests that this residue is clinically significant, and that variants that disrupt this residue are likely to be disease-causing. In summary, the available evidence is currently insufficient to determine the role of this variant in disease. Therefore, it has been classified as a Variant of Uncertain Significance.

Literature cited by the submitters: PubMed 15712223; PubMed 19825935.

NM_000533.5(PLP1):c.736G>C (p.Gly246Arg)

Genes: PLP1 (proteolipid protein 1; plus strand), RAB9B (RAB9B, member RAS oncogene family; minus strand). Cytogenetic location: Xq22.2.
Variant type: single nucleotide variant.
Coding change: c.736G>C on transcript NM_000533.5 (MANE Select); coding-DNA position 736, G replaced by C.
Protein change: p.Gly246Arg; replaces glycine 246 with arginine.
Molecular consequence: missense variant.
Genome position (GRCh38, 1-based): chrX:103,789,372, G>C. VCF-style: chrX-103789372-G-C. GRCh37 (hg19) VCF-style: chrX-103044301-G-C.
Other names: c.736G>C, p.Gly246Arg (NM_001128834.3); c.571G>C, p.Gly191Arg (NM_001305004.1); c.631G>C, p.Gly211Arg (NM_199478.3); short protein forms G246R, G191R, G211R.
Identifiers: ClinVar variation 2119528 (VCV002119528.4), dbSNP rs2147768028, ClinGen allele CA414104639.